The following is an entry in ClinVar:

NM_001370595.2(COA8):c.-15del

Gene: COA8 (cytochrome c oxidase assembly factor 8; plus strand). Cytogenetic location: 14q32.33.
Variant type: Deletion.
Coding change: c.-15del on transcript NM_001370595.2 (MANE Select); 15 bases upstream of the start codon, one base deleted (A; older notation c.-15delA).
Molecular consequence: 5 prime UTR variant. On other transcripts: non-coding transcript variant (2).
Genome position (GRCh38, 1-based): chr14:103,562,987, A deleted. VCF-style (leftmost placement, unchanged base first): chr14-103562986-CA-C. GRCh37 (hg19) VCF-style: chr14-104029323-CA-C.
Other names: p.Arg9Glyfs*61; c.-15del (NM_001302653.2, NM_001302654.2); c.25del (NM_032374.4).
Identifiers: ClinVar variation 4879338 (VCV004879338.1).
Genomic context (GRCh38, chr14:103,562,986, plus strand): 5'-GCGACCCTGCCGTAAAGCGGCCCCTCGCGCCGTCGCAATGCTGCCGTGCGCCGCGGGAGC[CA>C]GGGGGCGTGGGGCCATGGTGGTCTTGCGGGCGGGGAAGAAGACCTTTCTCCCCCCTCTCT-3'

ClinVar aggregate classification (germline): Likely pathogenic (1 of 4 stars; one submission).

Submission:

Mayo Clinic Laboratories, Mayo Clinic
Classification: Likely pathogenic. Last evaluated: 2025-05-07. Review status: criteria provided, single submitter. Criteria: ACMG Guidelines, 2015. Collection method: clinical testing. Allele origin: germline. Observed: 1 variant allele.
Comment: PM2_supporting, PVS1